The following is an entry in ClinVar:

ClinVar aggregate classification (germline): Benign. Review status: criteria provided, multiple submitters, no conflicts (2 of 4 stars). 2 submissions from 2 submitters: Benign (2). Last evaluated 2025-12-03.

Allele frequency attached by ClinVar (database versions not stated): ESP Exome Variant Server 0.00008; gnomAD exomes 0.00072; ExAC 0.00181; 1000 Genomes Project 30x 0.00312; 1000 Genomes Project 0.00260; gnomAD 0.00039.
gnomAD v4.1: 1,128 of 1,613,822 alleles (0.07%); highest among the groups gnomAD compares: South Asian, 1.2%; 24 homozygotes.

Submissions (2):

Labcorp Genetics (formerly Invitae), Labcorp
Classification: Benign. Last evaluated: 2025-12-03. Review status: criteria provided, single submitter. Criteria: Invitae Variant Classification Sherloc (09022015). Collection method: clinical testing. Allele origin: germline.

Mayo Clinic Laboratories, Mayo Clinic
Classification: Benign. Last evaluated: 2025-09-14. Review status: criteria provided, single submitter. Criteria: ACMG Guidelines, 2015. Collection method: clinical testing. Allele origin: germline. Observed: 1 variant allele.
Comment: BS1, BS2, BP4

NM_001388308.1(KIF12):c.829G>A (p.Ala277Thr)

Gene: KIF12 (kinesin family member 12; minus strand). Cytogenetic location: 9q32.
Variant type: single nucleotide variant.
Coding change: c.829G>A on transcript NM_001388308.1 (MANE Select); coding-DNA position 829, G replaced by A.
Protein change: p.Ala277Thr; replaces alanine 277 with threonine.
Molecular consequence: missense variant.
Genome position (GRCh38, 1-based): chr9:114,096,117, C>T on the plus strand (G>A on the coding strand, the complement: KIF12 is on the minus strand). VCF-style: chr9-114096117-C-T. GRCh37 (hg19) VCF-style: chr9-116858397-C-T.
Other names: p.Ala139Thr; c.415G>A, p.Ala139Thr (NM_138424.2); c.415G>A (NM_138424.1); short protein forms A277T, A139T.
Identifiers: ClinVar variation 2759191 (VCV002759191.4), dbSNP rs369433012, ClinGen allele CA5200745.